The following is an entry in ClinVar:

ClinVar aggregate classification (germline): Uncertain significance. Review status: criteria provided, multiple submitters, no conflicts (2 of 4 stars). 3 submissions from 3 submitters: Uncertain significance (3). Last evaluated 2023-08-28.

Conditions:
Hereditary breast ovarian cancer syndrome. Also called: Hereditary breast and ovarian cancer syndrome (HBOC); Hereditary breast and ovarian cancer syndrome; Breast and ovarian cancer; Hereditary breast and/or ovarian cancer syndrome; BRCA1- and BRCA2-Associated Hereditary Breast and Ovarian Cancer; Hereditary breast and ovarian cancer. Identifiers: Orphanet 145, MedGen C0677776, MeSH D061325, MONDO:0003582. Disease mechanism: loss of function.
Hereditary cancer-predisposing syndrome. Also called: Hereditary Cancer Syndrome; Neoplastic Syndromes, Hereditary; Hereditary neoplastic syndrome; Tumor predisposition. Identifiers: Orphanet 140162, MedGen C0027672, MeSH D009386, MONDO:0015356.
Breast-ovarian cancer, familial, susceptibility to, 2 (BROVCA2). Also called: BRCA2 Hereditary Breast and Ovarian Cancer. Identifiers: Orphanet 145, MedGen C2675520, MONDO:0012933, OMIM 612555. Disease mechanism: loss of function.

Submissions (3):

All of Us Research Program, National Institutes of Health
Classification: Uncertain significance for Breast-ovarian cancer, familial, susceptibility to, 2. Last evaluated: 2023-08-28. Review status: criteria provided, single submitter. Criteria: ACMG Guidelines, 2015. Collection method: clinical testing. Allele origin: germline. Inheritance: Autosomal dominant inheritance. Observed: 1 variant allele, 1 heterozygote.
Comment: This missense variant replaces asparagine with lysine at codon 30 of the BRCA2 protein. Computational prediction suggests that this variant may not impact protein structure and function (internally defined REVEL score threshold <= 0.5, PMID: 27666373). To our knowledge, functional studies have not been reported for this variant. This variant has not been reported in individuals affected with BRCA2-related disorders in the literature. This variant has not been identified in the general population by the Genome Aggregation Database (gnomAD). The available evidence is insufficient to determine the role of this variant in disease conclusively. Therefore, this variant is classified as a Variant of Uncertain Significance.

This study involves interpretation of variants in research participants for the purpose of population health screening. Participant phenotype was not available at the time of variant classification. Additional details can be found in publication PMID: 35346344, PMCID: PMC8962531

Labcorp Genetics (formerly Invitae), Labcorp
Classification: Uncertain significance for Hereditary breast ovarian cancer syndrome. Last evaluated: 2022-12-09. Review status: criteria provided, single submitter. Criteria: Invitae Variant Classification Sherloc (09022015). Collection method: clinical testing. Allele origin: germline.
Comment: In summary, the available evidence is currently insufficient to determine the role of this variant in disease. Therefore, it has been classified as a Variant of Uncertain Significance. This variant is not present in population databases (gnomAD no frequency). This variant has not been reported in the literature in individuals affected with BRCA2-related conditions. ClinVar contains an entry for this variant (Variation ID: 823015). Advanced modeling of protein sequence and biophysical properties (such as structural, functional, and spatial information, amino acid conservation, physicochemical variation, residue mobility, and thermodynamic stability) performed at Invitae indicates that this missense variant is not expected to disrupt BRCA2 protein function. This sequence change replaces asparagine, which is neutral and polar, with lysine, which is basic and polar, at codon 30 of the BRCA2 protein (p.Asn30Lys).

Ambry Genetics
Classification: Uncertain significance for Hereditary cancer-predisposing syndrome. Last evaluated: 2018-10-26. Review status: criteria provided, single submitter. Criteria: Ambry Variant Classification Scheme 2023. Collection method: clinical testing. Allele origin: germline.
Comment: The p.N30K variant (also known as c.90T>G), located in coding exon 2 of the BRCA2 gene, results from a T to G substitution at nucleotide position 90. The asparagine at codon 30 is replaced by lysine, an amino acid with similar properties. This amino acid position is well conserved in available vertebrate species. In addition, this alteration is predicted to be tolerated by in silico analysis. Since supporting evidence is limited at this time, the clinical significance of this alteration remains unclear.

NM_000059.4(BRCA2):c.90T>G (p.Asn30Lys)

Gene: BRCA2 (BRCA2 DNA repair associated; plus strand). Cytogenetic location: 13q13.1.
Variant type: single nucleotide variant.
Coding change: c.90T>G on transcript NM_000059.4 (MANE Select); coding-DNA position 90, T replaced by G.
Protein change: p.Asn30Lys; replaces asparagine 30 with lysine.
Molecular consequence: missense variant.
Genome position (GRCh38, 1-based): chr13:32,319,099, T>G. VCF-style: chr13-32319099-T-G. GRCh37 (hg19) VCF-style: chr13-32893236-T-G.
Other names: short protein forms N30K.
Identifiers: ClinVar variation 823015 (VCV000823015.8), dbSNP rs760655471, ClinGen allele CA387754100.